The following is an entry in ClinVar:

NM_003907.3(EIF2B5):c.1870-3T>C

Gene: EIF2B5 (eukaryotic translation initiation factor 2B subunit epsilon; plus strand). Cytogenetic location: 3q27.1.
Variant type: single nucleotide variant.
Coding change: c.1870-3T>C on transcript NM_003907.3 (MANE Select); 3 bases into the intron before coding-DNA position 1870, T replaced by C.
Molecular consequence: intron variant.
Genome position (GRCh38, 1-based): chr3:184,144,096, T>C. VCF-style: chr3-184144096-T-C. GRCh37 (hg19) VCF-style: chr3-183861884-T-C.
Identifiers: ClinVar variation 1946514 (VCV001946514.4), dbSNP rs2473672693, ClinGen allele CA2580070490.

ClinVar aggregate classification (germline): Uncertain significance (1 of 4 stars; one submission).

Allele frequency attached by ClinVar (database versions not stated): gnomAD exomes below 0.00001.
gnomAD v4.1: 2 of 1,614,222 alleles (0.00012%); highest among the groups gnomAD compares: East Asian, 0.0022%; no homozygotes.

Submission:

Labcorp Genetics (formerly Invitae), Labcorp
Classification: Uncertain significance. Last evaluated: 2024-05-15. Review status: criteria provided, single submitter. Criteria: Invitae Variant Classification Sherloc (09022015). Collection method: clinical testing. Allele origin: germline.
Comment: This sequence change falls in intron 13 of the EIF2B5 gene. It does not directly change the encoded amino acid sequence of the EIF2B5 protein. It affects a nucleotide within the consensus splice site. This variant is not present in population databases (gnomAD no frequency). This variant has not been reported in the literature in individuals affected with EIF2B5-related conditions. ClinVar contains an entry for this variant (Variation ID: 1946514). Variants that disrupt the consensus splice site are a relatively common cause of aberrant splicing (PMID: 17576681, 9536098). Algorithms developed to predict the effect of sequence changes on RNA splicing suggest that this variant is not likely to affect RNA splicing. In summary, the available evidence is currently insufficient to determine the role of this variant in disease. Therefore, it has been classified as a Variant of Uncertain Significance.

Literature cited by the submitters: PubMed 17576681; PubMed 9536098.